The following is an entry in ClinVar:

NM_001354604.2(MITF):c.*1101G>A

Gene: MITF (melanocyte inducing transcription factor; plus strand). Cytogenetic location: 3p13.
Variant type: single nucleotide variant.
Coding change: c.*1101G>A on transcript NM_001354604.2 (MANE Select); 1101 bases downstream of the stop codon, G replaced by A.
Molecular consequence: 3 prime UTR variant.
Genome position (GRCh38, 1-based): chr3:69,966,349, G>A. VCF-style: chr3-69966349-G-A. GRCh37 (hg19) VCF-style: chr3-70015500-G-A.
Other names: c.*1101G>A (NM_000248.4, NM_001184967.2, NM_001354605.2 and 8 more transcripts).
Identifiers: ClinVar variation 346520 (VCV000346520.5), dbSNP rs557878790, ClinGen allele CA10617344.

ClinVar aggregate classification (germline): Benign. Review status: criteria provided, single submitter (1 of 4 stars). 2 submissions from 1 submitter: Benign (2). Last evaluated 2018-01-13.

Conditions:
Waardenburg syndrome type 2A (WS2A). Also called: WAARDENBURG SYNDROME WITHOUT DYSTOPIA CANTHORUM. Identifiers: Orphanet 3440, MedGen C1860339, MONDO:0008671, OMIM 193510.
Tietz syndrome (TADS). Also called: ALBINISM-DEAFNESS OF TIETZ; HYPOPIGMENTATION/DEAFNESS OF TIETZ; TIETZ ALBINISM-DEAFNESS SYNDROME. Identifiers: Orphanet 42665, MedGen C0391816, MONDO:0007077, OMIM 103500.

Allele frequency attached by ClinVar (database versions not stated): gnomAD 0.00001 and 0.00002; gnomAD exomes 0.00007; TOPMed 0.00007; 1000 Genomes Project 30x 0.00031; 1000 Genomes Project 0.00040.
gnomAD v4.1: 8 of 233,012 alleles (0.0034%); highest among the groups gnomAD compares: East Asian, 0.037%; no homozygotes.

Submissions (2):

Illumina Laboratory Services, Illumina
Classification: Benign for Tietz syndrome. Last evaluated: 2018-01-13. Review status: criteria provided, single submitter. Criteria: ICSL Variant Classification Criteria 13 December 2019. Collection method: clinical testing. Allele origin: germline.
Comment: This variant was observed in the ICSL laboratory as part of a predisposition screen in an ostensibly healthy population. It had not been previously curated by ICSL or reported in the Human Gene Mutation Database (HGMD: prior to June 1st, 2018), and was therefore a candidate for classification through an automated scoring system. Utilizing variant allele frequency, disease prevalence and penetrance estimates, and inheritance mode, an automated score was calculated to assess if this variant is too frequent to cause the disease. Based on the score and internal cut-off values, a variant classified as benign is not then subjected to further curation. The score for this variant resulted in a classification of benign for this disease.

Illumina Laboratory Services, Illumina
Classification: Benign for Waardenburg syndrome type 2A. Last evaluated: 2018-01-13. Review status: criteria provided, single submitter. Criteria: ICSL Variant Classification Criteria 13 December 2019. Collection method: clinical testing. Allele origin: germline.
Comment: the same text as in the submission from Illumina Laboratory Services, Illumina above.